The following is an entry in ClinVar:

ClinVar aggregate classification (germline): Pathogenic (1 of 4 stars; one submission).

Conditions:
Muscular dystrophy-dystroglycanopathy type B6 (MDDGB6). Also called: MUSCULAR DYSTROPHY-DYSTROGLYCANOPATHY (CONGENITAL WITH IMPAIRED INTELLECTUAL DEVELOPMENT), TYPE B, 6; MUSCULAR DYSTROPHY, CONGENITAL, LARGE-RELATED; MUSCULAR DYSTROPHY, CONGENITAL, TYPE 1D. Identifiers: MedGen C1837229, MONDO:0012138, OMIM 608840.

Submission:

Labcorp Genetics (formerly Invitae), Labcorp
Classification: Pathogenic for Muscular dystrophy-dystroglycanopathy type B6. Last evaluated: 2022-06-04. Review status: criteria provided, single submitter. Criteria: Invitae Variant Classification Sherloc (09022015). Collection method: clinical testing. Allele origin: unknown.
Comment: For these reasons, this variant has been classified as Pathogenic. This variant has not been reported in the literature in individuals affected with LARGE1-related conditions. This variant is a gross deletion of the genomic region encompassing exon(s) 6 of the LARGE1 gene. This deletion is out-of-frame, and is expected to create a premature termination codon and result in an absent or disrupted protein product. Loss-of-function variants in LARGE1 are known to be pathogenic (PMID: 12966029, 17878207).

Literature cited by the submitters: PubMed 12966029; PubMed 17878207.

NC_000022.10:g.(?_34000401)_(34000564_?)del

Gene: LARGE1 (LARGE xylosyl- and glucuronyltransferase 1; minus strand). Cytogenetic location: 22q12.3.
Variant type: Deletion.
Identifiers: ClinVar variation 3247624 (VCV003247624.1).